The following continues an entry in ClinVar:

NM_000540.3(RYR1):c.7007G>A (p.Arg2336His)

Gene: RYR1. ClinVar aggregate classification (germline): Pathogenic; drug response. Pathogenic (1).

Submissions 14 to 19 of 19:

Women's Health and Genetics/Laboratory Corporation of America, LabCorp
Classification: Pathogenic for Malignant hyperthermia of anesthesia. Last evaluated: 2022-01-19. Review status: criteria provided, single submitter. Criteria: LabCorp Variant Classification Summary - May 2015. Collection method: clinical testing. Allele origin: germline. Not counted in ClinVar's aggregate classification.
Comment: Variant summary: RYR1 c.7007G>A (p.Arg2336His) results in a non-conservative amino acid change located in the RIH domain (IPR000699) of the encoded protein sequence. Five of five in-silico tools predict a damaging effect of the variant on protein function. The variant was absent in 251414 control chromosomes (gnomAD). c.7007G>A has been reported in the literature in multiple individuals affected with Malignant Hyperthermia Susceptibility (example: Carpenter_2009, Levano_2009). At least one publication reports experimental evidence evaluating an impact on cellular function where cells from patients carrying the variant showed increased sensativity to RYR agonists like 4-chloro-m-cresol compared to controls (Levano_2009). Five ClinVar submitters, including one expert panel, have assessed the variant since 2014: four submitters classified the variant as pathogenic and the expert panel classified the variant with drug responsive toxicity to various inhalent anesthetics (example: isoflurane, halothane, sevoflurane). Based on the evidence outlined above, the variant was classified as pathogenic.

Pittsburgh Clinical Genomics Laboratory, University of Pittsburgh Medical Center
Classification: Pathogenic for Malignant hyperthermia, susceptibility to, 1. Last evaluated: 2021-07-02. Review status: criteria provided, single submitter. Criteria: ACMG Guidelines, 2015. Collection method: clinical testing. Allele origin: germline. Inheritance: Autosomal dominant inheritance. Affected: yes. Not counted in ClinVar's aggregate classification.
Comment: This sequence variant is a single nucleotide substitution (G>A) that results in an arginine to histidine amino acid change at position 2336 of the RYR1 protein. This is a previously reported variant (ClinVar) that has been observed in individuals in the literature with malignt hyperthermia (PMID: 19191329, 23558838, 23736090) and RYR1-related myopathy (PMID: 33646171). This variant is absent from control population datasets (gnomAD database 0 of approximately 250,000 alleles). Bioinformatic tools predict that this variant would be damaging, and the Arg2336 residue is highly conserved across the vertebrate species examined. Functiol studies suggest that this arginine to histidine amino acid change has a damaging effect on RYR1 activity (PMID: 23736090), and segregation studies indicate that this variant segregates with disease in multiple pedigrees (PMID: 19191329). Based upon the evidence, we consider this variant to be pathogenic. ACMG Criteria: PM2, PP1, PP3, PS3

Kariminejad - Najmabadi Pathology & Genetics Center
Classification: Likely pathogenic for Malignant hyperthermia, susceptibility to, 1; Central core myopathy. Last evaluated: 2020-10-26. Review status: criteria provided, single submitter. Criteria: ACMG Guidelines, 2015. Collection method: clinical testing. Allele origin: germline. Inheritance: Autosomal dominant inheritance. Affected: yes. Not counted in ClinVar's aggregate classification.
Comment: PM1,PM2,PP3,PP5

Revvity Omics, Revvity
Classification: Pathogenic. Last evaluated: 2019-06-10. Review status: criteria provided, single submitter. Criteria: ACMG Guidelines, 2015. Collection method: clinical testing. Allele origin: germline. Not counted in ClinVar's aggregate classification.

PreventionGenetics, part of Exact Sciences
Classification: Pathogenic. Last evaluated: 2018-02-27. Review status: criteria provided, single submitter. Criteria: ACMG Guidelines, 2015. Collection method: clinical testing. Allele origin: germline. Not counted in ClinVar's aggregate classification.

RYR1 database
No classification provided. Review status: no classification provided. Collection method: not provided. Allele origin: unknown. Not counted in ClinVar's aggregate classification.

Literature cited by the submitters: PubMed 16917943 (cited by ClinPGx); PubMed 19191329 (cited by 4 submitters); PubMed 19648156 (cited by 3 submitters); PubMed 21455645 (cited by ClinPGx and Labcorp Genetics (formerly Invitae), Labcorp); PubMed 23558838 (cited by 3 submitters); PubMed 23736090 (cited by 3 submitters); PubMed 24433488 (cited by ClinPGx and Labcorp Genetics (formerly Invitae), Labcorp); PubMed 23476141 (cited by Labcorp Genetics (formerly Invitae), Labcorp); PubMed 33646171 (cited by Pittsburgh Clinical Genomics Laboratory, University of Pittsburgh Medical Center).